The following is an entry in ClinVar:

ClinVar aggregate classification (germline): Uncertain significance. Review status: criteria provided, multiple submitters, no conflicts (2 of 4 stars). 3 submissions from 3 submitters: Uncertain significance (3). Last evaluated 2024-11-27.

Conditions:
Inborn genetic diseases. Identifiers: MedGen C0950123, MeSH D030342.
Bethlem myopathy 1A. Also called: Bethlem Muscular Dystrophy; Bethlem myopathy 1; MYOPATHY, BENIGN CONGENITAL, WITH CONTRACTURES. Identifiers: Orphanet 610, MedGen CN029274, MONDO:0024530, OMIM 158810.

Allele frequency attached by ClinVar (database versions not stated): ExAC 0.00001; gnomAD exomes 0.00001.
gnomAD v4.1: 15 of 1,614,254 alleles (0.00093%); highest among the groups gnomAD compares: Non-Finnish European, 0.0013%; no homozygotes.

Submissions (3):

Labcorp Genetics (formerly Invitae), Labcorp
Classification: Uncertain significance for Bethlem myopathy 1A. Last evaluated: 2024-11-27. Review status: criteria provided, single submitter. Criteria: Invitae Variant Classification Sherloc (09022015). Collection method: clinical testing. Allele origin: germline.
Comment: This sequence change replaces glutamine, which is neutral and polar, with leucine, which is neutral and non-polar, at codon 1741 of the COL6A3 protein (p.Gln1741Leu). This variant is present in population databases (rs769177221, gnomAD 0.002%). This variant has not been reported in the literature in individuals affected with COL6A3-related conditions. ClinVar contains an entry for this variant (Variation ID: 661644). Invitae Evidence Modeling of protein sequence and biophysical properties (such as structural, functional, and spatial information, amino acid conservation, physicochemical variation, residue mobility, and thermodynamic stability) indicates that this missense variant is not expected to disrupt COL6A3 protein function with a negative predictive value of 80%. In summary, the available evidence is currently insufficient to determine the role of this variant in disease. Therefore, it has been classified as a Variant of Uncertain Significance.

Revvity Omics, Revvity
Classification: Uncertain significance. Last evaluated: 2023-12-01. Review status: criteria provided, single submitter. Criteria: ACMG Guidelines, 2015. Collection method: clinical testing. Allele origin: germline.

Ambry Genetics
Classification: Uncertain significance for Inborn genetic diseases. Last evaluated: 2022-09-14. Review status: criteria provided, single submitter. Criteria: Ambry Variant Classification Scheme 2023. Collection method: clinical testing. Allele origin: germline.

NM_004369.4(COL6A3):c.5222A>T (p.Gln1741Leu)

Gene: COL6A3 (collagen type VI alpha 3 chain; minus strand). Cytogenetic location: 2q37.3.
Variant type: single nucleotide variant.
Coding change: c.5222A>T on transcript NM_004369.4 (MANE Select); coding-DNA position 5222, A replaced by T.
Protein change: p.Gln1741Leu; replaces glutamine 1741 with leucine.
Molecular consequence: missense variant.
Genome position (GRCh38, 1-based): chr2:237,366,965, T>A on the plus strand (A>T on the coding strand, the complement: COL6A3 is on the minus strand). VCF-style: chr2-237366965-T-A. GRCh37 (hg19) VCF-style: chr2-238275608-T-A.
Other names: c.3401A>T, p.Gln1134Leu (NM_057166.5); c.4604A>T, p.Gln1535Leu (NM_057167.4); short protein forms Q1134L, Q1535L, Q1741L.
Identifiers: ClinVar variation 661644 (VCV000661644.11), dbSNP rs769177221, ClinGen allele CA2188718.